The following is an entry in ClinVar:

NM_000179.3(MSH6):c.3662C>G (p.Thr1221Arg)

Gene: MSH6 (mutS homolog 6; plus strand). Cytogenetic location: 2p16.3.
Variant type: single nucleotide variant.
Coding change: c.3662C>G on transcript NM_000179.3 (MANE Select); coding-DNA position 3662, C replaced by G.
Protein change: p.Thr1221Arg; replaces threonine 1221 with arginine.
Molecular consequence: missense variant.
Genome position (GRCh38, 1-based): chr2:47,806,219, C>G. VCF-style: chr2-47806219-C-G. GRCh37 (hg19) VCF-style: chr2-48033358-C-G.
Other names: c.3272C>G, p.Thr1091Arg (NM_001281492.2); c.2756C>G, p.Thr919Arg (NM_001281493.2, NM_001281494.2); short protein forms T1221R, T919R, T1091R.
Identifiers: ClinVar variation 234648 (VCV000234648.5), dbSNP rs876661139, ClinGen allele CA10577290.

ClinVar aggregate classification (germline): Uncertain significance. Review status: criteria provided, multiple submitters, no conflicts (2 of 4 stars). 3 submissions from 3 submitters: Uncertain significance (3). Last evaluated 2024-08-12.

Conditions:
Hereditary cancer-predisposing syndrome. Also called: Hereditary neoplastic syndrome; Hereditary Cancer Syndrome; Neoplastic Syndromes, Hereditary; Tumor predisposition. Identifiers: Orphanet 140162, MedGen C0027672, MeSH D009386, MONDO:0015356.

Submissions (3):

Ambry Genetics
Classification: Uncertain significance for Hereditary cancer-predisposing syndrome. Last evaluated: 2024-08-12. Review status: criteria provided, single submitter. Criteria: Ambry Variant Classification Scheme 2023. Collection method: clinical testing. Allele origin: germline.
Comment: The p.T1221R variant (also known as c.3662C>G), located in coding exon 8 of the MSH6 gene, results from a C to G substitution at nucleotide position 3662. The threonine at codon 1221 is replaced by arginine, an amino acid with similar properties. This amino acid position is conserved. In addition, this alteration is predicted to be deleterious by in silico analysis. Based on the available evidence, the clinical significance of this variant remains unclear.

Color Diagnostics, LLC DBA Color Health
Classification: Uncertain significance for Hereditary cancer-predisposing syndrome. Last evaluated: 2020-07-21. Review status: criteria provided, single submitter. Criteria: ACMG Guidelines, 2015. Collection method: clinical testing. Allele origin: germline.
Comment: This missense variant replaces threonine with arginine at codon 1221 of the MSH6 protein. Computational prediction suggests that this variant may have deleterious impact on protein structure and function (internally defined REVEL score threshold >= 0.7, PMID: 27666373). To our knowledge, functional studies have not been reported for this variant. This variant has not been reported in individuals affected with hereditary cancer in the literature. This variant has not been identified in the general population by the Genome Aggregation Database (gnomAD). The available evidence is insufficient to determine the role of this variant in disease conclusively. Therefore, this variant is classified as a Variant of Uncertain Significance.

GeneDx
Classification: Uncertain significance. Last evaluated: 2015-12-01. Review status: criteria provided, single submitter. Criteria: GeneDx Variant Classification (06012015). Collection method: clinical testing. Allele origin: germline. Affected: yes.
Comment: This variant is denoted MSH6 c.3662C>G at the cDNA level, p.Thr1221Arg (T1221R) at the protein level, and results in the change of a Threonine to an Arginine (ACA>AGA) in exon 8. This variant has not, to our knowledge, been published in the literature as pathogenic or benign. MSH6 Thr1221Arg was not observed in approximately 6,500 individuals of European and African American ancestry in the NHLBI Exome Sequencing Project, suggesting it is not a common benign variant in these populations. Since Threonine and Arginine differ in some properties, this is considered a semi-conservative amino acid substitution. MSH6 Thr1221Arg occurs at a position that is conserved across species and is located within the binding site of Mg2+ and within domain V of the MutS domain (Kariola 2002, Terui 2013). In silico analyses predict that this variant is probably damaging to protein structure and function. Based on currently available evidence, it is unclear whether MSH6 Thr1221Arg is a pathogenic or benign variant. We consider it to be a variant of uncertain significance.